The following is an entry in ClinVar:

NM_000824.5(GLRB):c.844G>A (p.Val282Ile)

Gene: GLRB (glycine receptor beta; plus strand). Cytogenetic location: 4q32.1.
Variant type: single nucleotide variant.
Coding change: c.844G>A on transcript NM_000824.5 (MANE Select); coding-DNA position 844, G replaced by A.
Protein change: p.Val282Ile; replaces valine 282 with isoleucine.
Molecular consequence: missense variant.
Genome position (GRCh38, 1-based): chr4:157,143,899, G>A. VCF-style: chr4-157143899-G-A. GRCh37 (hg19) VCF-style: chr4-158065051-G-A.
Other names: c.844G>A, p.Val282Ile (NM_001166060.2, NM_001166061.2); short protein forms V282I.
Identifiers: ClinVar variation 1521295 (VCV001521295.8), dbSNP rs938103926, ClinGen allele CA109164683.

ClinVar aggregate classification (germline): Uncertain significance (1 of 4 stars; one submission).

Conditions:
Hyperekplexia 2 (HKPX2). Identifiers: Orphanet 3197, MedGen C3553291, MONDO:0013828, OMIM 614619.

Allele frequency attached by ClinVar (database versions not stated): gnomAD exomes below 0.00001; TOPMed 0.00001; gnomAD 0.00002.
gnomAD v4.1: 4 of 1,613,916 alleles (0.00025%); highest among the groups gnomAD compares: African/African-American, 0.004%; no homozygotes.

Submission:

Labcorp Genetics (formerly Invitae), Labcorp
Classification: Uncertain significance for Hyperekplexia 2. Last evaluated: 2021-03-29. Review status: criteria provided, single submitter. Criteria: Invitae Variant Classification Sherloc (09022015). Collection method: clinical testing. Allele origin: germline.
Comment: In summary, the available evidence is currently insufficient to determine the role of this variant in disease. Therefore, it has been classified as a Variant of Uncertain Significance. Advanced modeling of protein sequence and biophysical properties (such as structural, functional, and spatial information, amino acid conservation, physicochemical variation, residue mobility, and thermodynamic stability) performed at Invitae indicates that this missense variant is not expected to disrupt GLRB protein function. This variant has not been reported in the literature in individuals with GLRB-related conditions. This variant is not present in population databases (ExAC no frequency). This sequence change replaces valine with isoleucine at codon 282 of the GLRB protein (p.Val282Ile). The valine residue is highly conserved and there is a small physicochemical difference between valine and isoleucine.